The following is an entry in ClinVar:

NM_012144.4(DNAI1):c.22G>C (p.Ala8Pro)

Gene: DNAI1 (dynein axonemal intermediate chain 1; plus strand). Cytogenetic location: 9p13.3.
Variant type: single nucleotide variant.
Coding change: c.22G>C on transcript NM_012144.4 (MANE Select); coding-DNA position 22, G replaced by C.
Protein change: p.Ala8Pro; replaces alanine 8 with proline.
Molecular consequence: missense variant.
Genome position (GRCh38, 1-based): chr9:34,459,027, G>C. VCF-style: chr9-34459027-G-C. GRCh37 (hg19) VCF-style: chr9-34459025-G-C.
Other names: c.22G>C, p.Ala8Pro (NM_001281428.2); short protein forms A8P.
Identifiers: ClinVar variation 953878 (VCV000953878.7), dbSNP rs11547035, ClinGen allele CA5033871.
Genomic context (GRCh38, chr9:34,459,027, plus strand): 5'-CAGACGAGGGAGCGTTTTGTAGGCTCTCCAGGGGTTGAGATGATTCCTGCTTCTGCGAAG[G>C]CTCCCCATAAACAGCCTCATAAGCAGGTAACGTACGCACACCTTCCTTCTGATGACCTCT-3'
Protein context (NP_036276.1, residues 1-18): MIPASAK[Ala8Pro]PHKQPHKQSI

ClinVar aggregate classification (germline): Uncertain significance. Review status: criteria provided, multiple submitters, no conflicts (2 of 4 stars). 3 submissions from 3 submitters: Uncertain significance (2). 1 of the submissions does not count toward it. Last evaluated 2021-08-20.

Conditions:
Kartagener syndrome (CILD1). Also called: CILIARY DYSKINESIA, PRIMARY, 1; CILIARY DYSKINESIA, PRIMARY, 1, WITH OR WITHOUT SITUS INVERSUS; IMMOTILE CILIA SYNDROME; Dextrocardia bronchiectasis and sinusitis; SIEWERT SYNDROME; POLYNESIAN BRONCHIECTASIS. Identifiers: Orphanet 244, MedGen C4551906, MONDO:0009484, OMIM 244400.
Primary ciliary dyskinesia. Also called: Ciliary dyskinesia. Identifiers: Orphanet 244, MedGen C0008780, MONDO:0016575, HP:0012265.

Allele frequency attached by ClinVar (database versions not stated): TOPMed 0.00002.
gnomAD v4.1: 18 of 1,613,940 alleles (0.0011%); highest among the groups gnomAD compares: Non-Finnish European, 0.0015%; no homozygotes.

Submissions (3):

Labcorp Genetics (formerly Invitae), Labcorp
Classification: Uncertain significance for Primary ciliary dyskinesia. Last evaluated: 2021-08-20. Review status: criteria provided, single submitter. Criteria: Invitae Variant Classification Sherloc (09022015). Collection method: clinical testing. Allele origin: germline.
Comment: This sequence change replaces alanine with proline at codon 8 of the DNAI1 protein (p.Ala8Pro). The alanine residue is weakly conserved and there is a small physicochemical difference between alanine and proline. This variant is present in population databases (rs11547035, ExAC 0.003%). This variant has not been reported in the literature in individuals affected with DNAI1-related conditions. Algorithms developed to predict the effect of missense changes on protein structure and function (SIFT, PolyPhen-2, Align-GVGD) all suggest that this variant is likely to be tolerated. In summary, the available evidence is currently insufficient to determine the role of this variant in disease. Therefore, it has been classified as a Variant of Uncertain Significance.

Fulgent Genetics
Classification: Uncertain significance for Kartagener syndrome. Last evaluated: 2021-07-23. Review status: criteria provided, single submitter. Criteria: ACMG Guidelines, 2015. Collection method: clinical testing. Allele origin: unknown.

Natera, Inc.
Classification: Uncertain significance for Primary ciliary dyskinesia. Last evaluated: 2020-10-07. Review status: no assertion criteria provided. Collection method: clinical testing. Allele origin: germline. Not counted in ClinVar's aggregate classification.